The following is an entry in ClinVar:

ClinVar aggregate classification (germline): Uncertain significance. Review status: criteria provided, multiple submitters, no conflicts (2 of 4 stars). 2 submissions from 2 submitters: Uncertain significance (2). Last evaluated 2026-08-16.

Conditions:
Familial thoracic aortic aneurysm and aortic dissection (TAAD). Also called: Thoracic aortic aneurysms and dissections. Identifiers: Orphanet 91387, MedGen C4707243, MONDO:0019625.
Marfan syndrome (MFS). Also called: Marfan's syndrome; Marfan syndrome, classic; Marfan syndrome type 1; MARFAN SYNDROME, TYPE I; FBN1-Related Marfan Syndrome. Identifiers: Orphanet 284963, Orphanet 558, MedGen C0024796, MONDO:0007947, OMIM 154700.

gnomAD v4.1: 1 of 1,614,208 alleles (0.000062%); highest among the groups gnomAD compares: Non-Finnish European, 0.000085%; no homozygotes.

Submissions (2):

Ambry Genetics
Classification: Uncertain significance for Familial thoracic aortic aneurysm and aortic dissection. Last evaluated: 2026-08-16. Review status: criteria provided, single submitter. Criteria: Ambry Variant Classification Scheme 2023. Collection method: clinical testing. Allele origin: germline.
Comment: The p.I1154F variant (also known as c.3460A>T), located in coding exon 27 of the FBN1 gene, results from an A to T substitution at nucleotide position 3460. The isoleucine at codon 1154 is replaced by phenylalanine, an amino acid with highly similar properties. This amino acid position is conserved. In addition, this alteration is predicted to be tolerated by in silico analysis. Based on the available evidence, the clinical significance of this variant remains unclear.

Labcorp Genetics (formerly Invitae), Labcorp
Classification: Uncertain significance for Marfan syndrome; Familial thoracic aortic aneurysm and aortic dissection. Last evaluated: 2022-07-11. Review status: criteria provided, single submitter. Criteria: Invitae Variant Classification Sherloc (09022015). Collection method: clinical testing. Allele origin: germline.
Comment: In summary, the available evidence is currently insufficient to determine the role of this variant in disease. Therefore, it has been classified as a Variant of Uncertain Significance. Advanced modeling of protein sequence and biophysical properties (such as structural, functional, and spatial information, amino acid conservation, physicochemical variation, residue mobility, and thermodynamic stability) performed at Invitae indicates that this missense variant is not expected to disrupt FBN1 protein function. ClinVar contains an entry for this variant (Variation ID: 1389132). This variant has not been reported in the literature in individuals affected with FBN1-related conditions. This variant is not present in population databases (gnomAD no frequency). This sequence change replaces isoleucine, which is neutral and non-polar, with phenylalanine, which is neutral and non-polar, at codon 1154 of the FBN1 protein (p.Ile1154Phe).

NM_000138.5(FBN1):c.3460A>T (p.Ile1154Phe)

Gene: FBN1 (fibrillin 1; minus strand). Cytogenetic location: 15q21.1.
Variant type: single nucleotide variant.
Coding change: c.3460A>T on transcript NM_000138.5 (MANE Select); coding-DNA position 3460, A replaced by T.
Protein change: p.Ile1154Phe; replaces isoleucine 1154 with phenylalanine.
Molecular consequence: missense variant.
Genome position (GRCh38, 1-based): chr15:48,487,315, T>A on the plus strand (A>T on the coding strand, the complement: FBN1 is on the minus strand). VCF-style: chr15-48487315-T-A. GRCh37 (hg19) VCF-style: chr15-48779512-T-A.
Other names: c.3460A>T (NM_000138.4); short protein forms I1154F.
Identifiers: ClinVar variation 1389132 (VCV001389132.7), dbSNP rs1043235195, ClinGen allele CA392326114.